The following is an entry in ClinVar:

ClinVar aggregate classification (germline): Uncertain significance (1 of 4 stars; one submission).

Conditions:
Intellectual developmental disorder, X-linked, syndromic 14. Also called: Syndromic X-linked intellectual disability 14. Identifiers: Orphanet 776, MedGen C1970822, MONDO:0010398, OMIM 300676.

Allele frequency attached by ClinVar (database versions not stated): gnomAD exomes 0.00002.
gnomAD v4.1: 9 of 1,212,171 alleles (0.00074%); highest among the groups gnomAD compares: East Asian, 0.024%; no homozygotes.

Submission:

Labcorp Genetics (formerly Invitae), Labcorp
Classification: Uncertain significance for Intellectual developmental disorder, X-linked, syndromic 14. Last evaluated: 2022-09-07. Review status: criteria provided, single submitter. Criteria: Invitae Variant Classification Sherloc (09022015). Collection method: clinical testing. Allele origin: germline.
Comment: In summary, the available evidence is currently insufficient to determine the role of this variant in disease. Therefore, it has been classified as a Variant of Uncertain Significance. Algorithms developed to predict the effect of missense changes on protein structure and function are either unavailable or do not agree on the potential impact of this missense change (SIFT: "Deleterious"; PolyPhen-2: "Benign"; Align-GVGD: "Class C0"). This variant has not been reported in the literature in individuals affected with UPF3B-related conditions. This variant is present in population databases (no rsID available, gnomAD 0.008%). This sequence change replaces serine, which is neutral and polar, with leucine, which is neutral and non-polar, at codon 30 of the UPF3B protein (p.Ser30Leu).

NM_080632.3(UPF3B):c.89C>T (p.Ser30Leu)

Gene: UPF3B (UPF3B regulator of nonsense mediated mRNA decay; minus strand). Cytogenetic location: Xq24.
Variant type: single nucleotide variant.
Coding change: c.89C>T on transcript NM_080632.3 (MANE Select); coding-DNA position 89, C replaced by T.
Protein change: p.Ser30Leu; replaces serine 30 with leucine.
Molecular consequence: missense variant.
Genome position (GRCh38, 1-based): chrX:119,852,840, G>A on the plus strand (C>T on the coding strand, the complement: UPF3B is on the minus strand). VCF-style: chrX-119852840-G-A. GRCh37 (hg19) VCF-style: chrX-118986803-G-A.
Other names: c.89C>T, p.Ser30Leu (NM_023010.4); short protein forms S30L.
Identifiers: ClinVar variation 1994727 (VCV001994727.4), dbSNP rs1218778977, ClinGen allele CA414185887.